The following is an entry in ClinVar:

NM_001243133.2(NLRP3):c.1346T>G (p.Leu449Arg)

Gene: NLRP3 (NLR family pyrin domain containing 3; plus strand). Cytogenetic location: 1q44.
Variant type: single nucleotide variant.
Coding change: c.1346T>G on transcript NM_001243133.2 (MANE Select); coding-DNA position 1346, T replaced by G.
Protein change: p.Leu449Arg; replaces leucine 449 with arginine.
Molecular consequence: missense variant.
Genome position (GRCh38, 1-based): chr1:247,424,795, T>G. VCF-style: chr1-247424795-T-G. GRCh37 (hg19) VCF-style: chr1-247588097-T-G.
Other names: c.1346T>G, p.Leu449Arg (NM_001079821.3, NM_001127461.3, NM_001127462.3 and 1 more transcripts); c.1352T>G, p.Leu451Arg (NM_004895.5); short protein forms L449R, L451R.
Identifiers: ClinVar variation 3766478 (VCV003766478.1).

ClinVar aggregate classification (germline): Uncertain significance (1 of 4 stars; one submission).

gnomAD v4.1: 1 of 1,610,110 alleles (0.000062%); highest among the groups gnomAD compares: Non-Finnish European, 0.000085%; no homozygotes.

Submission:

ARUP Laboratories, Molecular Genetics and Genomics, ARUP Laboratories
Classification: Uncertain significance. Last evaluated: 2024-02-23. Review status: criteria provided, single submitter. Criteria: ARUP Molecular Germline Variant Investigation Process 2024. Collection method: clinical testing. Allele origin: germline.
Comment: The NLRP3 c.1352T>G; p.Leu451Arg variant, to our knowledge, is not reported in the medical literature or gene specific databases. This variant is also absent from the Genome Aggregation Database (v2.1.1), indicating it is not a common polymorphism. Computational analyses predict that this variant is deleterious (REVEL: 0.743). However, given the lack of clinical and functional data, the significance of this variant is uncertain at this time.